The following is an entry in ClinVar:

ClinVar aggregate classification (germline): Uncertain significance (1 of 4 stars; one submission).

Allele frequency attached by ClinVar (database versions not stated): gnomAD exomes below 0.00001.
gnomAD v4.1: 2 of 1,608,848 alleles (0.00012%); highest among the groups gnomAD compares: Non-Finnish European, 0.00017%; no homozygotes.

Submission:

Labcorp Genetics (formerly Invitae), Labcorp
Classification: Uncertain significance. Last evaluated: 2021-08-20. Review status: criteria provided, single submitter. Criteria: Invitae Variant Classification Sherloc (09022015). Collection method: clinical testing. Allele origin: germline.
Comment: This sequence change replaces phenylalanine with serine at codon 1204 of the ADGRV1 protein (p.Phe1204Ser). The phenylalanine residue is weakly conserved and there is a large physicochemical difference between phenylalanine and serine. This variant is not present in population databases (ExAC no frequency). This variant has not been reported in the literature in individuals affected with ADGRV1-related conditions. Algorithms developed to predict the effect of missense changes on protein structure and function (SIFT, PolyPhen-2, Align-GVGD) all suggest that this variant is likely to be tolerated. In summary, the available evidence is currently insufficient to determine the role of this variant in disease. Therefore, it has been classified as a Variant of Uncertain Significance.

NM_032119.4(ADGRV1):c.3611T>C (p.Phe1204Ser)

Gene: ADGRV1 (adhesion G protein-coupled receptor V1; plus strand). Cytogenetic location: 5q14.3.
Variant type: single nucleotide variant.
Coding change: c.3611T>C on transcript NM_032119.4 (MANE Select); coding-DNA position 3611, T replaced by C.
Protein change: p.Phe1204Ser; replaces phenylalanine 1204 with serine.
Molecular consequence: missense variant. On other transcripts: non-coding transcript variant (1).
Genome position (GRCh38, 1-based): chr5:90,652,540, T>C. VCF-style: chr5-90652540-T-C. GRCh37 (hg19) VCF-style: chr5-89948357-T-C.
Other names: short protein forms F1204S.
Identifiers: ClinVar variation 972641 (VCV000972641.7), dbSNP rs1768788369, ClinGen allele CA360397978.